The following is an entry in ClinVar:

ClinVar aggregate classification (germline): Uncertain significance (1 of 4 stars; one submission).

Conditions:
Telangiectasia, hereditary hemorrhagic, type 1 (HHT1). Also called: Osler Weber Rendu syndrome type 1; ENG-Related Hereditary Hemorrhagic Telangiectasia. Identifiers: Orphanet 774, MedGen C4551861, MONDO:0008535, OMIM 187300. Disease mechanism: loss of function.

Submission:

Impact Genetics, Dynacare/LabCorp
Classification: Uncertain significance for Telangiectasia, hereditary hemorrhagic, type 1. Last evaluated: 2023-07-29. Review status: criteria provided, single submitter. Criteria: DeMille et al. (Hum Mutat. 2024). Collection method: clinical testing. Allele origin: germline.
Comment: PM2_supportive, PP3

NM_001114753.3(ENG):c.67+3A>C

Gene: ENG (endoglin; minus strand). Cytogenetic location: 9q34.11.
Variant type: single nucleotide variant.
Coding change: c.67+3A>C on transcript NM_001114753.3 (MANE Select); 3 bases into the intron after coding-DNA position 67, A replaced by C.
Molecular consequence: intron variant.
Genome position (GRCh38, 1-based): chr9:127,854,286, T>G on the plus strand (A>C on the coding strand, the complement: ENG is on the minus strand). VCF-style: chr9-127854286-T-G. GRCh37 (hg19) VCF-style: chr9-130616565-T-G.
Other names: c.67+3A>C (NM_000118.4, NM_001406715.1).
Identifiers: ClinVar variation 4082243 (VCV004082243.1).